The following is an entry in ClinVar:

ClinVar aggregate classification (germline): Uncertain significance (1 of 4 stars; one submission).

Conditions:
Hereditary nonpolyposis colorectal neoplasms. Identifiers: MedGen C0009405, MeSH D003123.

Submission:

Labcorp Genetics (formerly Invitae), Labcorp
Classification: Uncertain significance for Hereditary nonpolyposis colorectal neoplasms. Last evaluated: 2021-06-03. Review status: criteria provided, single submitter. Criteria: Invitae Variant Classification Sherloc (09022015). Collection method: clinical testing. Allele origin: germline.
Comment: Algorithms developed to predict the effect of missense changes on protein structure and function are either unavailable or do not agree on the potential impact of this missense change (SIFT: "Tolerated"; PolyPhen-2: "Probably Damaging"; Align-GVGD: "Class C0"). This sequence change replaces serine with threonine at codon 274 of the MSH6 protein (p.Ser274Thr). The serine residue is moderately conserved and there is a small physicochemical difference between serine and threonine. This variant is not present in population databases (ExAC no frequency). This variant has not been reported in the literature in individuals with MSH6-related conditions. In summary, the available evidence is currently insufficient to determine the role of this variant in disease. Therefore, it has been classified as a Variant of Uncertain Significance.

NM_000179.3(MSH6):c.821G>C (p.Ser274Thr)

Gene: MSH6 (mutS homolog 6; plus strand). Cytogenetic location: 2p16.3.
Variant type: single nucleotide variant.
Coding change: c.821G>C on transcript NM_000179.3 (MANE Select); coding-DNA position 821, G replaced by C.
Protein change: p.Ser274Thr; replaces serine 274 with threonine.
Molecular consequence: missense variant. On other transcripts: 5 prime UTR variant (2).
Genome position (GRCh38, 1-based): chr2:47,798,804, G>C. VCF-style: chr2-47798804-G-C. GRCh37 (hg19) VCF-style: chr2-48025943-G-C.
Other names: c.431G>C, p.Ser144Thr (NM_001281492.2); c.-86G>C (NM_001281493.2, NM_001281494.2); short protein forms S144T, S274T.
Identifiers: ClinVar variation 1496046 (VCV001496046.8), dbSNP rs587779949, ClinGen allele CA346740422.